The following is an entry in ClinVar:

NM_212482.4(FN1):c.575G>A (p.Gly192Glu)

Gene: FN1 (fibronectin 1; minus strand). Cytogenetic location: 2q35.
Variant type: single nucleotide variant.
Coding change: c.575G>A on transcript NM_212482.4 (MANE Select); coding-DNA position 575, G replaced by A.
Protein change: p.Gly192Glu; replaces glycine 192 with glutamic acid.
Molecular consequence: missense variant.
Genome position (GRCh38, 1-based): chr2:215,430,825, C>T on the plus strand (G>A on the coding strand, the complement: FN1 is on the minus strand). VCF-style: chr2-215430825-C-T. GRCh37 (hg19) VCF-style: chr2-216295548-C-T.
Other names: c.575G>A, p.Gly192Glu (NM_001306129.2, NM_001306130.2, NM_001306131.2 and 14 more transcripts); short protein forms G192E.
Identifiers: ClinVar variation 2421659 (VCV002421659.6), dbSNP rs1405095910, ClinGen allele CA350475911.

ClinVar aggregate classification (germline): Uncertain significance (1 of 4 stars; one submission).

Allele frequency attached by ClinVar (database versions not stated): gnomAD 0.00003; TOPMed 0.00002.
gnomAD v4.1: 59 of 1,613,982 alleles (0.0037%); highest among the groups gnomAD compares: Non-Finnish European, 0.005%; no homozygotes.

Submission:

Labcorp Genetics (formerly Invitae), Labcorp
Classification: Uncertain significance. Last evaluated: 2025-04-11. Review status: criteria provided, single submitter. Criteria: Invitae Variant Classification Sherloc (09022015). Collection method: clinical testing. Allele origin: germline.
Comment: This sequence change replaces glycine, which is neutral and non-polar, with glutamic acid, which is acidic and polar, at codon 192 of the FN1 protein (p.Gly192Glu). This variant is present in population databases (no rsID available, gnomAD 0.003%). This variant has not been reported in the literature in individuals affected with FN1-related conditions. ClinVar contains an entry for this variant (Variation ID: 2421659). An algorithm developed to predict the effect of missense changes on protein structure and function (PolyPhen-2) suggests that this variant is likely to be disruptive. In summary, the available evidence is currently insufficient to determine the role of this variant in disease. Therefore, it has been classified as a Variant of Uncertain Significance.